The following is an entry in ClinVar:

NM_022168.4(IFIH1):c.2302C>G (p.Gln768Glu)

Gene: IFIH1 (interferon induced with helicase C domain 1; minus strand). Cytogenetic location: 2q24.2.
Variant type: single nucleotide variant.
Coding change: c.2302C>G on transcript NM_022168.4 (MANE Select); coding-DNA position 2302, C replaced by G.
Protein change: p.Gln768Glu; replaces glutamine 768 with glutamic acid.
Molecular consequence: missense variant.
Genome position (GRCh38, 1-based): chr2:162,276,689, G>C on the plus strand (C>G on the coding strand, the complement: IFIH1 is on the minus strand). VCF-style: chr2-162276689-G-C. GRCh37 (hg19) VCF-style: chr2-163133199-G-C.
Other names: short protein forms Q768E.
Identifiers: ClinVar variation 3752684 (VCV003752684.2).

ClinVar aggregate classification (germline): Uncertain significance (1 of 4 stars; one submission).

Conditions:
Aicardi-Goutieres syndrome 7 (AGS7). Identifiers: Orphanet 51, MedGen C3888244, MONDO:0014367, OMIM 615846.
Singleton-Merten syndrome 1 (SGMRT1). Also called: Widened medullary cavities of bone, aortic calcification, abnormal dentition, and muscular weakness; Syndrome of widened medullary cavities of the metacarpals and phalanges, aortic calcification and abnormal dentition. Identifiers: Orphanet 85191, MedGen C4225427, MONDO:0024535, OMIM 182250.

gnomAD v4.1: 2 of 1,608,202 alleles (0.00012%); highest among the groups gnomAD compares: Non-Finnish European, 0.000085%; no homozygotes.

Submission:

Labcorp Genetics (formerly Invitae), Labcorp
Classification: Uncertain significance for Aicardi-Goutieres syndrome 7; Singleton-Merten syndrome 1. Last evaluated: 2024-10-30. Review status: criteria provided, single submitter. Criteria: Invitae Variant Classification Sherloc (09022015). Collection method: clinical testing. Allele origin: germline.
Comment: This sequence change replaces glutamine, which is neutral and polar, with glutamic acid, which is acidic and polar, at codon 768 of the IFIH1 protein (p.Gln768Glu). This variant is not present in population databases (gnomAD no frequency). This variant has not been reported in the literature in individuals affected with IFIH1-related conditions. An algorithm developed to predict the effect of missense changes on protein structure and function (PolyPhen-2) suggests that this variant is likely to be disruptive. In summary, the available evidence is currently insufficient to determine the role of this variant in disease. Therefore, it has been classified as a Variant of Uncertain Significance.